The following is an entry in ClinVar:

ClinVar aggregate classification (germline): Uncertain significance. Review status: criteria provided, multiple submitters, no conflicts (2 of 4 stars). 2 submissions from 2 submitters: Uncertain significance (2). Last evaluated 2025-06-18.

Conditions:
Hereditary cancer-predisposing syndrome. Also called: Hereditary Cancer Syndrome; Neoplastic Syndromes, Hereditary; Tumor predisposition; Hereditary neoplastic syndrome. Identifiers: Orphanet 140162, MedGen C0027672, MeSH D009386, MONDO:0015356.
Hereditary breast ovarian cancer syndrome. Also called: Hereditary breast and ovarian cancer syndrome; Breast and ovarian cancer; Hereditary breast and ovarian cancer syndrome (HBOC); Hereditary breast and ovarian cancer; BRCA1- and BRCA2-Associated Hereditary Breast and Ovarian Cancer; Hereditary breast and/or ovarian cancer syndrome. Identifiers: Orphanet 145, MedGen C0677776, MeSH D061325, MONDO:0003582. Disease mechanism: loss of function.

gnomAD v4.1: 1 of 1,613,536 alleles (0.000062%); highest among the groups gnomAD compares: Non-Finnish European, 0.000085%; no homozygotes.

Submissions (2):

Ambry Genetics
Classification: Uncertain significance for Hereditary cancer-predisposing syndrome. Last evaluated: 2025-06-18. Review status: criteria provided, single submitter. Criteria: Ambry Variant Classification Scheme 2023. Collection method: clinical testing. Allele origin: germline.
Comment: The p.A807V variant (also known as c.2420C>T), located in coding exon 9 of the BRCA1 gene, results from a C to T substitution at nucleotide position 2420. The alanine at codon 807 is replaced by valine, an amino acid with similar properties. This amino acid position is well conserved in available vertebrate species. In addition, the in silico prediction for this alteration is inconclusive. Based on the available evidence, the clinical significance of this variant remains unclear.

Labcorp Genetics (formerly Invitae), Labcorp
Classification: Uncertain significance for Hereditary breast ovarian cancer syndrome. Last evaluated: 2024-10-21. Review status: criteria provided, single submitter. Criteria: Invitae Variant Classification Sherloc (09022015). Collection method: clinical testing. Allele origin: germline.
Comment: This sequence change replaces alanine, which is neutral and non-polar, with valine, which is neutral and non-polar, at codon 807 of the BRCA1 protein (p.Ala807Val). This variant is not present in population databases (gnomAD no frequency). This variant has not been reported in the literature in individuals affected with BRCA1-related conditions. Invitae Evidence Modeling of protein sequence and biophysical properties (such as structural, functional, and spatial information, amino acid conservation, physicochemical variation, residue mobility, and thermodynamic stability) indicates that this missense variant is not expected to disrupt BRCA1 protein function with a negative predictive value of 80%. In summary, the available evidence is currently insufficient to determine the role of this variant in disease. Therefore, it has been classified as a Variant of Uncertain Significance.

NM_007294.4(BRCA1):c.2420C>T (p.Ala807Val)

Gene: BRCA1 (BRCA1 DNA repair associated; minus strand). Cytogenetic location: 17q21.31.
Variant type: single nucleotide variant.
Coding change: c.2420C>T on transcript NM_007294.4 (MANE Select); coding-DNA position 2420, C replaced by T.
Protein change: p.Ala807Val; replaces alanine 807 with valine.
Molecular consequence: missense variant. On other transcripts: intron variant (137).
Genome position (GRCh38, 1-based): chr17:43,093,111, G>A on the plus strand (C>T on the coding strand, the complement: BRCA1 is on the minus strand). VCF-style: chr17-43093111-G-A. GRCh37 (hg19) VCF-style: chr17-41245128-G-A.
Other names: c.2420C>T, p.Ala807Val (NM_001407625.1, NM_001407626.1, NM_001407639.1 and 30 more transcripts); c.2417C>T, p.Ala806Val (NM_001407627.1, NM_001407628.1, NM_001407629.1 and 22 more transcripts); c.2411C>T, p.Ala804Val (NM_001407646.1, NM_001407647.1); c.2294C>T, p.Ala765Val (NM_001407649.1, NM_001407670.1, NM_001407671.1 and 11 more transcripts); c.2342C>T, p.Ala781Val (NM_001407653.1, NM_001407654.1, NM_001407655.1 and 4 more transcripts); c.2297C>T, p.Ala766Val (NM_001407648.1, NM_001407664.1, NM_001407683.1 and 19 more transcripts); c.2339C>T, p.Ala780Val (NM_001407659.1, NM_001407660.1, NM_001407661.1 and 1 more transcripts); c.2207C>T, p.Ala736Val (NM_001407571.1, NM_001407853.1, NM_001407894.1 and 9 more transcripts); and 41 more; short protein forms A511V, A639V, A679V, A680V, A695V, A696V, A718V, A719V.
Identifiers: ClinVar variation 3609042 (VCV003609042.3).
Genomic context (GRCh38, chr17:43,093,111, plus strand): 5'-TCTGTGTCATTTCTATTATCTTTGGAACAACCATGAATTAGTCCCTTGGGGTTTTCAAAT[G>A]CTGCACACTGACTCACACATTTATTTGGTTCTGTTTTTGCCTTCCCTAGAGTGCTAACTT-3'
Protein context (NP_009225.1, residues 797-817): EPNKCVSQCA[Ala807Val]FENPKGLIHG